The following is an entry in ClinVar:

NM_001165963.4(SCN1A):c.4002+2465T>G

Genes: SCN1A (sodium voltage-gated channel alpha subunit 1; minus strand), LOC102724058 (uncharacterized LOC102724058; plus strand). Cytogenetic location: 2q24.3.
Variant type: single nucleotide variant.
Coding change: c.4002+2465T>G on transcript NM_001165963.4 (MANE Select); 2465 bases into the intron after coding-DNA position 4002, T replaced by G.
Molecular consequence: intron variant. On other transcripts: non-coding transcript variant (1).
Genome position (GRCh38, 1-based): chr2:166,007,254, A>C on the plus strand (T>G on the coding strand, the complement: SCN1A is on the minus strand). VCF-style: chr2-166007254-A-C. GRCh37 (hg19) VCF-style: chr2-166863764-A-C.
Other names: c.3969+2465T>G (NM_001353949.2, NM_001353950.2, NM_001353951.2 and 2 more transcripts); c.3918+2465T>G (NM_001353958.2, NM_001353957.2, NM_001165964.3); c.4002+2465T>G (NM_001202435.3, NM_001353948.2); c.3966+2465T>G (NM_001353955.2, NM_001353954.2); c.3915+2465T>G (NM_001353960.2); c.1560+2465T>G (NM_001353961.2).
Identifiers: ClinVar variation 3639359 (VCV003639359.2).
Genomic context (GRCh38, chr2:166,007,254, plus strand): 5'-CAAGGATTAAAGGTAGCAAAAGGGGTAATACAGTACCCATAATAAAGGGCTCAGGGGAGG[A>C]ACCAGCGCTCCACCCCATCCAAGTTGGAGCAAGATTATCCTATACAAAATAGAAATATAT-3'

ClinVar aggregate classification (germline): Uncertain significance (1 of 4 stars; one submission).

Conditions:
Early-infantile DEE. Also called: Early infantile epileptic encephalopathy; Ohtahara syndrome; Early infantile epileptic encephalopathy with suppression bursts. Identifiers: Orphanet 1934, MedGen C0393706, MONDO:0800491.

Submission:

Labcorp Genetics (formerly Invitae), Labcorp
Classification: Uncertain significance for Early-infantile DEE. Last evaluated: 2024-04-29. Review status: criteria provided, single submitter. Criteria: Invitae Variant Classification Sherloc (09022015). Collection method: clinical testing. Allele origin: germline.
Comment: This sequence change falls in intron 20 of the SCN1A gene. It does not directly change the encoded amino acid sequence of the SCN1A protein. However, this sequence change falls within a region encompassing a cryptic exon in the SCN1A gene, in which variants have been shown to alter splicing (PMID: 30526861, 34107977). This variant is not present in population databases (gnomAD no frequency). This variant has not been reported in the literature in individuals affected with SCN1A-related conditions. Algorithms developed to predict the effect of sequence changes on RNA splicing suggest that this variant is not likely to affect RNA splicing. In summary, the available evidence is currently insufficient to determine the role of this variant in disease. Therefore, it has been classified as a Variant of Uncertain Significance.

Literature cited by the submitters: PubMed 30526861; PubMed 34107977.